The following is an entry in ClinVar:

ClinVar aggregate classification (germline): Uncertain significance. Review status: criteria provided, multiple submitters, no conflicts (2 of 4 stars). 3 submissions from 3 submitters: Uncertain significance (3). Last evaluated 2025-07-31.

Conditions:
Joubert syndrome 23 (JBTS23). Identifiers: Orphanet 475, MedGen C4084822, MONDO:0014664, OMIM 616490.
Short-rib thoracic dysplasia 14 with polydactyly (SRTD14). Identifiers: Orphanet 397715, MedGen C4225286, MONDO:0014688, OMIM 616546.
Inborn genetic diseases. Identifiers: MedGen C0950123, MeSH D030342.

Allele frequency attached by ClinVar (database versions not stated): ExAC 0.00002; gnomAD exomes 0.00004; TOPMed 0.00004; ESP Exome Variant Server 0.00017; gnomAD 0.00005 and 0.00006.
gnomAD v4.1: 210 of 1,613,730 alleles (0.013%); highest among the groups gnomAD compares: Non-Finnish European, 0.017%; no homozygotes.

Submissions (3):

Ambry Genetics
Classification: Uncertain significance for Inborn genetic diseases. Last evaluated: 2025-07-31. Review status: criteria provided, single submitter. Criteria: Ambry Variant Classification Scheme 2023. Collection method: clinical testing. Allele origin: germline.

Labcorp Genetics (formerly Invitae), Labcorp
Classification: Uncertain significance for Joubert syndrome 23; Short-rib thoracic dysplasia 14 with polydactyly. Last evaluated: 2025-07-08. Review status: criteria provided, single submitter. Criteria: Invitae Variant Classification Sherloc (09022015). Collection method: clinical testing. Allele origin: germline.
Comment: This sequence change replaces threonine, which is neutral and polar, with serine, which is neutral and polar, at codon 1286 of the KIAA0586 protein (p.Thr1286Ser). This variant is present in population databases (rs201702546, gnomAD 0.009%). This variant has not been reported in the literature in individuals affected with KIAA0586-related conditions. ClinVar contains an entry for this variant (Variation ID: 1311885). Invitae Evidence Modeling of protein sequence and biophysical properties (such as structural, functional, and spatial information, amino acid conservation, physicochemical variation, residue mobility, and thermodynamic stability) indicates that this missense variant is not expected to disrupt KIAA0586 protein function with a negative predictive value of 80%. In summary, the available evidence is currently insufficient to determine the role of this variant in disease. Therefore, it has been classified as a Variant of Uncertain Significance.

GeneDx
Classification: Uncertain significance. Last evaluated: 2024-08-30. Review status: criteria provided, single submitter. Criteria: GeneDx Variant Classification Process June 2021. Collection method: clinical testing. Allele origin: germline. Affected: yes.
Comment: In silico analysis supports that this missense variant has a deleterious effect on protein structure/function; Has not been previously published as pathogenic or benign to our knowledge

NM_001329943.3(KIAA0586):c.3698C>G (p.Thr1233Ser)

Gene: KIAA0586 (KIAA0586; plus strand). Cytogenetic location: 14q23.1.
Variant type: single nucleotide variant.
Coding change: c.3698C>G on transcript NM_001329943.3 (MANE Select); coding-DNA position 3698, C replaced by G.
Protein change: p.Thr1233Ser; replaces threonine 1233 with serine.
Molecular consequence: missense variant.
Genome position (GRCh38, 1-based): chr14:58,488,791, C>G. VCF-style: chr14-58488791-C-G. GRCh37 (hg19) VCF-style: chr14-58955509-C-G.
Other names: c.3857C>G, p.Thr1286Ser (NM_001244189.2); c.3653C>G, p.Thr1218Ser (NM_001244190.2); c.3443C>G, p.Thr1148Ser (NM_001244191.2, NM_001329945.2, NM_001364700.1 and 1 more transcripts); c.3566C>G, p.Thr1189Ser (NM_001244192.2); c.3278C>G, p.Thr1093Ser (NM_001244193.2); c.3698C>G, p.Thr1233Ser (NM_001329944.2, NM_001329946.2, NM_001329947.2); c.3470C>G, p.Thr1157Ser (NM_014749.5); c.3470C>G (NM_014749.3); short protein forms T1093S, T1148S, T1157S, T1189S, T1218S, T1233S, T1286S.
Identifiers: ClinVar variation 1311885 (VCV001311885.9), dbSNP rs201702546, ClinGen allele CA7206235.